The following is an entry in ClinVar:

NM_001083961.2(WDR62):c.2739+125A>G

Gene: WDR62 (WD repeat domain 62; plus strand). Cytogenetic location: 19q13.12.
Variant type: single nucleotide variant.
Coding change: c.2739+125A>G on transcript NM_001083961.2 (MANE Select); 125 bases into the intron after coding-DNA position 2739, A replaced by G.
Molecular consequence: intron variant.
Genome position (GRCh38, 1-based): chr19:36,099,742, A>G. VCF-style: chr19-36099742-A-G. GRCh37 (hg19) VCF-style: chr19-36590644-A-G.
Other names: c.2739+125A>G (NM_173636.5).
Identifiers: ClinVar variation 677770 (VCV000677770.1), dbSNP rs143133581, ClinGen allele CA307841337.

ClinVar aggregate classification (germline): Likely benign (1 of 4 stars; one submission).

Allele frequency attached by ClinVar (database versions not stated): 1000 Genomes Project 0.00339; 1000 Genomes Project 30x 0.00359; TOPMed 0.00901; gnomAD 0.01080 and 0.01108; gnomAD exomes 0.01340.
gnomAD v4.1: 12,375 of 959,530 alleles (1.3%); highest among the groups gnomAD compares: Non-Finnish European, 1.6%; 120 homozygotes.

Submission:

GeneDx
Classification: Likely benign. Last evaluated: 2018-06-16. Review status: criteria provided, single submitter. Criteria: GeneDx Variant Classification (06012015). Collection method: clinical testing. Allele origin: germline. Affected: yes.
Comment: This variant is considered likely benign or benign based on one or more of the following criteria: it is a conservative change, it occurs at a poorly conserved position in the protein, it is predicted to be benign by multiple in silico algorithms, and/or has population frequency not consistent with disease.